The following is an entry in ClinVar:

NM_000152.5(GAA):c.1239C>G (p.Asp413Glu)

Gene: GAA (alpha glucosidase; plus strand). Cytogenetic location: 17q25.3.
Variant type: single nucleotide variant.
Coding change: c.1239C>G on transcript NM_000152.5 (MANE Select); coding-DNA position 1239, C replaced by G.
Protein change: p.Asp413Glu; replaces aspartic acid 413 with glutamic acid.
Molecular consequence: missense variant.
Genome position (GRCh38, 1-based): chr17:80,108,741, C>G. VCF-style: chr17-80108741-C-G. GRCh37 (hg19) VCF-style: chr17-78082540-C-G.
Other names: NM_000152.5(GAA):c.1239C>G; p.Asp413Glu; c.1239C>G, p.Asp413Glu (NM_001079803.3, NM_001079804.3, NM_001406741.1 and 1 more transcripts); short protein forms D413E.
Identifiers: ClinVar variation 2506145 (VCV002506145.7), dbSNP rs2039158556, ClinGen allele CA401365250.

ClinVar aggregate classification (germline): Uncertain significance. Review status: reviewed by expert panel (3 of 4 stars). 5 submissions from 5 submitters: Uncertain significance (1). 4 of the submissions do not count toward it. Last evaluated 2025-10-07.

Conditions:
Glycogen storage disease, type II (IOPD). Also called: POMPE DISEASE, INFANTILE-ONSET; GLYCOGEN STORAGE DISEASE II, INFANTILE-ONSET; ACID ALPHA-GLUCOSIDASE DEFICIENCY, INFANTILE-ONSET; GAA DEFICIENCY, INFANTILE-ONSET; ACID MALTASE DEFICIENCY, INFANTILE-ONSET; Glycogen storage disease type 2. Identifiers: Orphanet 365, MedGen C0017921, MONDO:0009290, OMIM 232300.

Submissions (5):

ClinGen Lysosomal Storage Disorder Variant Curation Expert Panel
Classification: Uncertain significance for Glycogen storage disease, type II. Last evaluated: 2025-10-07. Review status: reviewed by expert panel. Criteria: clingen_lsd_acmg_specifications_v2-1. Collection method: curation. Allele origin: germline. Inheritance: Autosomal recessive inheritance.
Comment: The NM_000152.5:c.1239C>G variant in GAA is a missense variant predicted to cause substitution of asparagine by glutamic acid at amino acid 413 (p.Asp413Glu). At least three individuals have been reported in the literature with this variant, including a sibling pair with late-onset Pompe disease (PMIDs: 18434155, 27384519). Both siblings had a history of skeletal muscle weakness and confirmed deficient GAA enzyme activity in lymphocytes, and received ERT (PP4_moderate). They were compound heterozygous (phase unreported) for the variant and a second GAA variant, c.2228A>G (p.Gln743Arg) (ClinVar ID: 561162) which is reported pathogenic/likely pathogenic, but has not been reviewed by the ClinGen Lysosomal Diseases Variant Curation Expert Panel. There is an additional report of this variant in an individual described as having infantile-onset Pompe disease and 28.5% residual GAA enzyme activity in dried blood spot (PMID: 33301762), though no clinical information is available. This individual is compound heterozygous (phase unreported) for the variant and a second GAA variant, c.1933G>A (p.Asp645Asn) (ClinVar ID: 188728), classified as pathogenic by the ClinGen Lysosomal Diseases Variant Curation Expert Panel (PM3_supporting). This variant is absent in gnomAD v4.1.0. (PM2_Supporting). The computational predictor REVEL gives a score of 0.649 which is neither above nor below the thresholds predicting a damaging (>0.7) or benign (<0.5) impact on GAA function. Due to insufficient evidence, this variant is classified as a variant of unknown significance for Pompe disease based on the ACMG/AMP criteria applied, as specified by the ClinGen Lysosomal Diseases Variant Curation Expert Panel (Specifications Version 2.0): PP4_moderate, PM3_supporting, PM2_supporting (Classification approved by the ClinGen Lysosomal Diseases Variant Curation Expert Panel on October 7, 2025)

Myriad Genetics, Inc.
Classification: Likely pathogenic for Glycogen storage disease, type II. Last evaluated: 2026-07-21. Review status: criteria provided, single submitter. Criteria: Myriad Autosomal Dominant, Autosomal Recessive and X-Linked Classification Criteria (2023). Collection method: clinical testing. Allele origin: unknown. Not counted in ClinVar's aggregate classification.
Comment: NM_000152.3(GAA):c.1239C>G(D413E) is a missense variant classified as likely pathogenic in the context of Pompe disease. D413E has been observed in cases with relevant disease (PMID: 33301762, 18434155 ). Relevant functional assessments of this variant are not available in the literature. Internal structural analysis of the variant is supportive of pathogenicity. D413E has not been observed in referenced population frequency databases. In summary, NM_000152.3(GAA):c.1239C>G(D413E) is a missense variant that has internal structural support for pathogenicity and has been observed more frequently in cases with the relevant disease than in healthy populations. Please note: this variant was assessed in the context of healthy population screening.

Genomenon, Inc
Classification: Uncertain significance for Glycogen storage disease, type II. Last evaluated: 2026-07-01. Review status: criteria provided, single submitter. Criteria: Genomenon Sequence Variant Interpretation Standards - Updated. Collection method: curation. Allele origin: germline. Affected: yes. Not counted in ClinVar's aggregate classification.
Comment: GAA p.Asp413Glu (c.1239C>G ) is a missense variant that changes the amino acid at codon 413 from Aspartic acid to Glutamic acid. This variant has been observed in at least one proband with a GAA-related disorder in the compound heterozygous and/or homozygous state (PMID:18434155;33301762). It is absent or not present at a significant frequency in gnomAD. In conclusion, we classify GAA p.Asp413Glu (c.1239C>G ) as a variant of uncertain significance.

Women's Health and Genetics/Laboratory Corporation of America, LabCorp
Classification: Likely pathogenic for Glycogen storage disease, type II. Last evaluated: 2025-10-24. Review status: criteria provided, single submitter. Criteria: LabCorp Variant Classification Summary - May 2015. Collection method: clinical testing. Allele origin: germline. Not counted in ClinVar's aggregate classification.
Comment: Variant summary: GAA c.1239C>G (p.Asp413Glu) results in a conservative amino acid change in the encoded protein sequence. Algorithms developed to predict the effect of missense changes on protein structure and function are either unavailable or do not agree on the potential impact of this missense change. The variant was absent in 247706 control chromosomes. c.1239C>G has been observed in individual(s) affected with Glycogen Storage Disease, Type 2 (Pompe Disease) (Dlamini_2008, Thomas_2021). These data indicate that the variant may be associated with disease. To our knowledge, no experimental evidence demonstrating an impact on protein function has been reported. The following publications have been ascertained in the context of this evaluation (PMID: 18434155, 33301762). ClinVar contains an entry for this variant (Variation ID: 2506145). Based on the evidence outlined above, the variant was classified as likely pathogenic.

Labcorp Genetics (formerly Invitae), Labcorp
Classification: Likely pathogenic for Glycogen storage disease, type II. Last evaluated: 2025-09-15. Review status: criteria provided, single submitter. Criteria: Invitae Variant Classification Sherloc (09022015). Collection method: clinical testing. Allele origin: germline. Not counted in ClinVar's aggregate classification.
Comment: This sequence change replaces aspartic acid, which is acidic and polar, with glutamic acid, which is acidic and polar, at codon 413 of the GAA protein (p.Asp413Glu). This variant is not present in population databases (gnomAD no frequency). This missense change has been observed in individual(s) with Pompe disease (PMID: 18434155, 33301762). ClinVar contains an entry for this variant (Variation ID: 2506145). Invitae Evidence Modeling of protein sequence and biophysical properties (such as structural, functional, and spatial information, amino acid conservation, physicochemical variation, residue mobility, and thermodynamic stability) indicates that this missense variant is expected to disrupt GAA protein function with a positive predictive value of 95%. In summary, the currently available evidence indicates that the variant is pathogenic, but additional data are needed to prove that conclusively. Therefore, this variant has been classified as Likely Pathogenic.

Literature cited by the submitters: PubMed 18434155 (cited by 4 submitters); PubMed 33301762 (cited by 4 submitters).